The following is an entry in ClinVar:

NM_002524.5(NRAS):c.*2513T>A

Gene: NRAS (NRAS proto-oncogene, GTPase; minus strand). Cytogenetic location: 1p13.2.
Variant type: single nucleotide variant.
Coding change: c.*2513T>A on transcript NM_002524.5 (MANE Select); 2513 bases downstream of the stop codon, T replaced by A.
Molecular consequence: 3 prime UTR variant.
Genome position (GRCh38, 1-based): chr1:114,705,581, A>T on the plus strand (T>A on the coding strand, the complement: NRAS is on the minus strand). VCF-style: chr1-114705581-A-T. GRCh37 (hg19) VCF-style: chr1-115248202-A-T.
Identifiers: ClinVar variation 291958 (VCV000291958.29), dbSNP rs150969241, ClinGen allele CA10607593.

ClinVar aggregate classification (germline): Conflicting classifications of pathogenicity. Review status: criteria provided, conflicting classifications (1 of 4 stars). 2 submissions from 2 submitters: Uncertain significance (1); Likely benign (1). Last evaluated 2023-06-01.

Conditions:
Noonan syndrome 6 (NS6). Also called: NRAS-Related Noonan Syndrome. Identifiers: Orphanet 648, MedGen C2750732, MONDO:0013186, OMIM 613224.

Allele frequency attached by ClinVar (database versions not stated): TOPMed 0.00087; gnomAD 0.00091; 1000 Genomes Project 0.00140.

Submissions (2):

CeGaT Center for Human Genetics Tuebingen
Classification: Likely benign. Last evaluated: 2023-06-01. Review status: criteria provided, single submitter. Criteria: CeGaT Center For Human Genetics Tuebingen Variant Classification Criteria Version 2. Collection method: clinical testing. Allele origin: germline. Affected: yes. Observed: 2 variant alleles.
Comment: NRAS: BS1

Illumina Laboratory Services, Illumina
Classification: Uncertain significance for Noonan syndrome 6. Last evaluated: 2018-01-13. Review status: criteria provided, single submitter. Criteria: ICSL Variant Classification Criteria 13 December 2019. Collection method: clinical testing. Allele origin: germline.